The following is an entry in ClinVar:

ClinVar aggregate classification (germline): Uncertain significance (1 of 4 stars; one submission).

Conditions:
Fanconi anemia (FA). Also called: Fanconi's anemia. Identifiers: Orphanet 84, MedGen C0015625, MeSH D005199, MONDO:0019391.

Submission:

Labcorp Genetics (formerly Invitae), Labcorp
Classification: Uncertain significance for Fanconi anemia. Last evaluated: 2022-02-24. Review status: criteria provided, single submitter. Criteria: Invitae Variant Classification Sherloc (09022015). Collection method: clinical testing. Allele origin: germline.
Comment: In summary, the available evidence is currently insufficient to determine the role of this variant in disease. Therefore, it has been classified as a Variant of Uncertain Significance. Algorithms developed to predict the effect of missense changes on protein structure and function are either unavailable or do not agree on the potential impact of this missense change (SIFT: "Tolerated"; PolyPhen-2: "Possibly Damaging"; Align-GVGD: "Class C0"). ClinVar contains an entry for this variant (Variation ID: 939211). This variant has not been reported in the literature in individuals affected with FANCM-related conditions. This variant is not present in population databases (gnomAD no frequency). This sequence change replaces glycine, which is neutral and non-polar, with alanine, which is neutral and non-polar, at codon 249 of the FANCM protein (p.Gly249Ala).

NM_020937.4(FANCM):c.746G>C (p.Gly249Ala)

Gene: FANCM (FA complementation group M; plus strand). Cytogenetic location: 14q21.2.
Variant type: single nucleotide variant.
Coding change: c.746G>C on transcript NM_020937.4 (MANE Select); coding-DNA position 746, G replaced by C.
Protein change: p.Gly249Ala; replaces glycine 249 with alanine.
Molecular consequence: missense variant. On other transcripts: intron variant (1).
Genome position (GRCh38, 1-based): chr14:45,140,696, G>C. VCF-style: chr14-45140696-G-C. GRCh37 (hg19) VCF-style: chr14-45609899-G-C.
Other names: c.746G>C, p.Gly249Ala (NM_001308134.2); c.681+3455G>C (NM_001308133.2); short protein forms G249A.
Identifiers: ClinVar variation 939211 (VCV000939211.9), dbSNP rs965199350, ClinGen allele CA389589166.